The following is an entry in ClinVar:

ClinVar aggregate classification (germline): Benign/Likely benign. Review status: criteria provided, multiple submitters, no conflicts (2 of 4 stars). 4 submissions from 4 submitters: Benign (1); Likely benign (3). Last evaluated 2025-06-23.

Conditions:
Tuberous sclerosis 2 (TSC2). Identifiers: Orphanet 805, MedGen C1860707, MONDO:0013199, OMIM 613254.
Hereditary cancer-predisposing syndrome. Also called: Tumor predisposition; Neoplastic Syndromes, Hereditary; Hereditary neoplastic syndrome; Hereditary Cancer Syndrome. Identifiers: Orphanet 140162, MedGen C0027672, MeSH D009386, MONDO:0015356.

Allele frequency attached by ClinVar (database versions not stated): gnomAD exomes below 0.00001; gnomAD 0.00001.
gnomAD v4.1: 6 of 1,606,342 alleles (0.00037%); highest among the groups gnomAD compares: East Asian, 0.0045%; no homozygotes.

Submissions (4):

Labcorp Genetics (formerly Invitae), Labcorp
Classification: Likely benign for Tuberous sclerosis 2. Last evaluated: 2025-06-23. Review status: criteria provided, single submitter. Criteria: Invitae Variant Classification Sherloc (09022015). Collection method: clinical testing. Allele origin: germline.

Myriad Genetics, Inc.
Classification: Benign for Tuberous sclerosis 2. Last evaluated: 2025-06-03. Review status: criteria provided, single submitter. Criteria: Myriad Autosomal Dominant, Autosomal Recessive and X-Linked Classification Criteria (2023). Collection method: clinical testing. Allele origin: unknown.
Comment: This variant is considered benign. This variant is a silent/synonymous amino acid change and it is not expected to impact splicing.

Ambry Genetics
Classification: Likely benign for Hereditary cancer-predisposing syndrome. Last evaluated: 2023-03-12. Review status: criteria provided, single submitter. Criteria: Ambry Variant Classification Scheme 2023. Collection method: clinical testing. Allele origin: germline.

Blueprint Genetics
Classification: Likely benign. Last evaluated: 2020-09-02. Review status: criteria provided, single submitter. Criteria: ACMG Guidelines, 2015. Collection method: clinical testing. Allele origin: germline.

NM_000548.5(TSC2):c.4359C>T (p.Pro1453=)

Gene: TSC2 (TSC complex subunit 2; plus strand). Cytogenetic location: 16p13.3.
Variant type: single nucleotide variant.
Coding change: c.4359C>T on transcript NM_000548.5 (MANE Select); coding-DNA position 4359, C replaced by T.
Protein change: p.Pro1453=; no amino-acid change (proline 1453 retained).
Molecular consequence: synonymous variant.
Genome position (GRCh38, 1-based): chr16:2,084,581, C>T. VCF-style: chr16-2084581-C-T. GRCh37 (hg19) VCF-style: chr16-2134582-C-T.
Other names: c.4158C>T, p.Pro1386= (NM_001077183.3); c.4290C>T, p.Pro1430= (NM_001114382.3); c.4050C>T, p.Pro1350= (NM_001318827.2); c.4014C>T, p.Pro1338= (NM_001318829.2); c.3627C>T, p.Pro1209= (NM_001318831.2); c.4191C>T, p.Pro1397= (NM_001318832.2); c.4161C>T, p.Pro1387= (NM_001363528.2); c.4227C>T, p.Pro1409= (NM_001370404.1); and 1 more.
Identifiers: ClinVar variation 705991 (VCV000705991.14), dbSNP rs1212442267, ClinGen allele CA493043484.
Genomic context (GRCh38, chr16:2,084,581, plus strand): 5'-GGGCGAAGACAGTCGGGGCCAGCCCGAGGGTCCCTTGCCTTCCAGCTCCCCCCGCTCGCC[C>T]AGTGGCCTCCGGCCCCGAGGTTACACCATCTCCGACTCGGCCCCATCACGCAGGGGCAAG-3'
Protein context (NP_000539.2, residues 1443-1463): GPLPSSSPRS[Pro1453=]SGLRPRGYTI